The following is an entry in ClinVar:

NM_000051.4(ATM):c.3403-3A>C

Gene: ATM (ATM serine/threonine kinase; plus strand). Cytogenetic location: 11q22.3.
Variant type: single nucleotide variant.
Coding change: c.3403-3A>C on transcript NM_000051.4 (MANE Select); 3 bases into the intron before coding-DNA position 3403, A replaced by C.
Molecular consequence: intron variant.
Genome position (GRCh38, 1-based): chr11:108,280,992, A>C. VCF-style: chr11-108280992-A-C. GRCh37 (hg19) VCF-style: chr11-108151719-A-C.
Other names: c.3403-3A>C (NM_001351834.2).
Identifiers: ClinVar variation 481056 (VCV000481056.17), dbSNP rs374866638, ClinGen allele CA6265290.
Genomic context (GRCh38, chr11:108,280,992, plus strand): 5'-TTTATAATTGATTGTTAAACATTTACATTTTACATTACATTTTTTTTTTAATTTCTTTTT[A>C]AGTCCCATAGTGCTGAGAACCCTGAAACTTTGGATGAAATTTATAATAGAAAATCTGTTT-3'

ClinVar aggregate classification (germline): Conflicting classifications of pathogenicity. Review status: criteria provided, conflicting classifications (1 of 4 stars). 7 submissions from 7 submitters: Uncertain significance (1); Likely benign (5). 1 of the submissions does not count toward it. Last evaluated 2026-02-04.

Conditions:
Familial cancer of breast. Also called: hereditary breast carcinoma; Hereditary breast cancer; BREAST CANCER, FAMILIAL. Identifiers: Orphanet 227535, MedGen C0346153, MONDO:0016419, OMIM 114480. Disease mechanism: loss of function.
Hereditary cancer-predisposing syndrome. Also called: Tumor predisposition; Hereditary Cancer Syndrome; Neoplastic Syndromes, Hereditary; Hereditary neoplastic syndrome. Identifiers: Orphanet 140162, MedGen C0027672, MeSH D009386, MONDO:0015356.
ATM-related disorder. Also called: ATM-related disorders; ATM-related condition.
Ataxia-telangiectasia syndrome (AT). Also called: Cerebello-oculocutaneous telangiectasia; Immunodeficiency with ataxia telangiectasia; Ataxia-telangiectasia; Ataxia-telangiectasia, complementation group D; AT, COMPLEMENTATION GROUP C; ATAXIA-TELANGIECTASIA, COMPLEMENTATION GROUP A. Identifiers: Orphanet 100, MedGen C0004135, MONDO:0008840, OMIM 208900.

Allele frequency attached by ClinVar (database versions not stated): gnomAD exomes below 0.00001 and 0.00001; ExAC 0.00001; ESP Exome Variant Server 0.00008.
gnomAD v4.1: 8 of 1,595,802 alleles (0.0005%); highest among the groups gnomAD compares: Non-Finnish European, 0.0006%; no homozygotes.

Submissions (7):

Labcorp Genetics (formerly Invitae), Labcorp
Classification: Likely benign for Ataxia-telangiectasia syndrome. Last evaluated: 2026-02-04. Review status: criteria provided, single submitter. Criteria: Invitae Variant Classification Sherloc (09022015). Collection method: clinical testing. Allele origin: germline.

Myriad Genetics, Inc.
Classification: Likely benign for Familial cancer of breast. Last evaluated: 2024-05-14. Review status: criteria provided, single submitter. Criteria: Myriad Autosomal Dominant, Autosomal Recessive and X-Linked Classification Criteria (2023). Collection method: clinical testing. Allele origin: unknown.
Comment: This variant is considered likely benign. This variant is intronic and is not expected to impact mRNA splicing.

Blueprint Genetics
Classification: Likely benign. Last evaluated: 2024-03-04. Review status: criteria provided, single submitter. Criteria: ACMG Guidelines, 2015. Collection method: clinical testing. Allele origin: germline.

Sema4
Classification: Uncertain significance for Hereditary cancer-predisposing syndrome. Last evaluated: 2022-03-14. Review status: criteria provided, single submitter. Criteria: Sema4 Curation Guidelines. Collection method: curation. Allele origin: germline.
Comment: The ATM c.3403-3A>C variant has been reported in heterozygosity in at least 1 individual with breast cancer (PMID: 29522266). It was observed in 1/111480 chromosomes of the Non-Finnish European (NFE) subpopulation in the large and broad cohorts of the Genome Aggregation Database (PMID: 32461654). This variant has been reported in ClinVar (Variation ID 481056). This variant does not overlap a splice site and algorithms developed to predict the effect of sequence changes on RNA splicing do not suggest negative effect on normal splicing. These predictions have not been confirmed by published functional studies. The evidence is insufficient to meet ACMG/AMP criteria for classifying the variant as benign or pathogenic. Thus, the clinical significance of this variant is currently uncertain.

Ambry Genetics
Classification: Likely benign for Hereditary cancer-predisposing syndrome. Last evaluated: 2019-10-08. Review status: criteria provided, single submitter. Criteria: Ambry Variant Classification Scheme 2023. Collection method: clinical testing. Allele origin: germline.

Color Diagnostics, LLC DBA Color Health
Classification: Likely benign for Hereditary cancer-predisposing syndrome. Last evaluated: 2017-11-17. Review status: criteria provided, single submitter. Criteria: ACMG Guidelines, 2015. Collection method: clinical testing. Allele origin: germline.

PreventionGenetics, part of Exact Sciences
Classification: Likely benign for ATM-related condition. Last evaluated: 2022-02-03. Review status: no assertion criteria provided. Collection method: clinical testing. Allele origin: germline. Not counted in ClinVar's aggregate classification.
Comment: This variant is classified as likely benign based on ACMG/AMP sequence variant interpretation guidelines (Richards et al. 2015 PMID: 25741868, with internal and published modifications).

Literature cited by the submitters: PubMed 29522266 (cited by Sema4).